The following is an entry in ClinVar:

ClinVar aggregate classification (germline): Conflicting classifications of pathogenicity. Review status: criteria provided, conflicting classifications (1 of 4 stars). 6 submissions from 6 submitters: Uncertain significance (4); Likely benign (1). 1 of the submissions does not count toward it. Last evaluated 2026-01-20.

Conditions:
NPHP3-related disorder. Also called: NPHP3-related condition; NPHP3-related disorders. Identifiers: MedGen CN379163.
Nephronophthisis. Also called: Juvenile Nephronophthisis. Identifiers: Orphanet 655, MedGen C0687120, MONDO:0019005, HP:0000090.
NPHP3-related Meckel-like syndrome. Also called: GOLDSTON SYNDROME; Meckel syndrome type 7. Identifiers: Orphanet 3032, MedGen C2673885, MONDO:0009966, OMIM 267010.
Renal-hepatic-pancreatic dysplasia 1 (RHPD1). Identifiers: MedGen C3715199, MONDO:0008833, OMIM 208540.
Nephronophthisis 3 (NPHP3). Also called: Adolescent nephronophthisis. Identifiers: Orphanet 655, MedGen C1858392, MONDO:0011456, OMIM 604387.

Allele frequency attached by ClinVar (database versions not stated): gnomAD 0.00017 and 0.00020; TOPMed 0.00022; ESP Exome Variant Server 0.00023.
gnomAD v4.1: 45 of 1,613,552 alleles (0.0028%); highest among the groups gnomAD compares: African/African-American, 0.049%; no homozygotes.

Submissions (6):

Labcorp Genetics (formerly Invitae), Labcorp
Classification: Likely benign for Nephronophthisis. Last evaluated: 2026-01-20. Review status: criteria provided, single submitter. Criteria: Invitae Variant Classification Sherloc (09022015). Collection method: clinical testing. Allele origin: germline.

Fulgent Genetics
Classification: Uncertain significance for Renal-hepatic-pancreatic dysplasia 1; NPHP3-related Meckel-like syndrome; Nephronophthisis 3. Last evaluated: 2024-06-07. Review status: criteria provided, single submitter. Criteria: ACMG Guidelines, 2015. Collection method: clinical testing. Allele origin: germline.

Blueprint Genetics
Classification: Uncertain significance. Last evaluated: 2022-11-06. Review status: criteria provided, single submitter. Criteria: ACMG Guidelines, 2015. Collection method: clinical testing. Allele origin: germline.

GeneDx
Classification: Uncertain significance. Last evaluated: 2019-06-03. Review status: criteria provided, single submitter. Criteria: GeneDx Variant Classification Process June 2021. Collection method: clinical testing. Allele origin: germline. Affected: yes.
Comment: Has not been previously published as pathogenic or benign to our knowledge; In silico analysis, which includes splice predictors and evolutionary conservation, suggests this variant may impact gene splicing. In the absence of RNA/functional studies, the actual effect of this sequence change is unknown.

Eurofins Ntd Llc (ga)
Classification: Uncertain significance. Last evaluated: 2018-07-23. Review status: criteria provided, single submitter. Criteria: EGL ClinVar v180209 classification definitions. Collection method: clinical testing. Allele origin: germline. Observed: 2 variant alleles, 2 heterozygotes.

PreventionGenetics, part of Exact Sciences
Classification: Likely benign for NPHP3-related condition. Last evaluated: 2024-08-22. Review status: no assertion criteria provided. Collection method: clinical testing. Allele origin: germline. Not counted in ClinVar's aggregate classification.
Comment: This variant is classified as likely benign based on ACMG/AMP sequence variant interpretation guidelines (Richards et al. 2015 PMID: 25741868, with internal and published modifications).

NM_153240.5(NPHP3):c.2172-4A>G

Genes: NPHP3-ACAD11 (NPHP3-ACAD11 readthrough (NMD candidate); minus strand), NPHP3 (nephrocystin 3; minus strand). Cytogenetic location: 3q22.1.
Variant type: single nucleotide variant.
Coding change: c.2172-4A>G on transcript NM_153240.5 (MANE Select); 4 bases into the intron before coding-DNA position 2172, A replaced by G.
Molecular consequence: intron variant.
Genome position (GRCh38, 1-based): chr3:132,694,969, T>C on the plus strand (A>G on the coding strand, the complement: NPHP3 is on the minus strand). VCF-style: chr3-132694969-T-C. GRCh37 (hg19) VCF-style: chr3-132413813-T-C.
Identifiers: ClinVar variation 194681 (VCV000194681.18), dbSNP rs375032661, ClinGen allele CA240794.